The following is an entry in ClinVar:

NM_015338.6(ASXL1):c.1738A>G (p.Lys580Glu)

Gene: ASXL1 (ASXL transcriptional regulator 1; plus strand). Cytogenetic location: 20q11.21.
Variant type: single nucleotide variant.
Coding change: c.1738A>G on transcript NM_015338.6 (MANE Select); coding-DNA position 1738, A replaced by G.
Protein change: p.Lys580Glu; replaces lysine 580 with glutamic acid.
Molecular consequence: missense variant.
Genome position (GRCh38, 1-based): chr20:32,434,450, A>G. VCF-style: chr20-32434450-A-G. GRCh37 (hg19) VCF-style: chr20-31022253-A-G.
Other names: c.1555A>G, p.Lys519Glu (NM_001363734.1); short protein forms K519E, K580E.
Identifiers: ClinVar variation 4159128 (VCV004159128.1).

ClinVar aggregate classification (germline): Uncertain significance (1 of 4 stars; one submission).

Conditions:
Inborn genetic diseases. Identifiers: MedGen C0950123, MeSH D030342.

Submission:

Ambry Genetics
Classification: Uncertain significance for Inborn genetic diseases. Last evaluated: 2025-08-23. Review status: criteria provided, single submitter. Criteria: Ambry Variant Classification Scheme 2023. Collection method: clinical testing. Allele origin: germline.
Comment: The p.K580E variant (also known as c.1738A>G), located in coding exon 13 of the ASXL1 gene, results from an A to G substitution at nucleotide position 1738. The lysine at codon 580 is replaced by glutamic acid, an amino acid with similar properties. This amino acid position is conserved. In addition, this alteration is predicted to be tolerated by in silico analysis. Based on the available evidence, the clinical significance of this variant remains unclear.